The following is an entry in ClinVar:

NM_000051.4(ATM):c.8026G>A (p.Glu2676Lys)

Genes: ATM (ATM serine/threonine kinase; plus strand), C11orf65 (chromosome 11 open reading frame 65; minus strand). Cytogenetic location: 11q22.3.
Variant type: single nucleotide variant.
Coding change: c.8026G>A on transcript NM_000051.4 (MANE Select); coding-DNA position 8026, G replaced by A.
Protein change: p.Glu2676Lys; replaces glutamic acid 2676 with lysine.
Molecular consequence: missense variant. On other transcripts: intron variant (2).
Genome position (GRCh38, 1-based): chr11:108,334,984, G>A. VCF-style: chr11-108334984-G-A. GRCh37 (hg19) VCF-style: chr11-108205711-G-A.
Other names: c.8026G>A, p.Glu2676Lys (NM_001351834.2); c.641-25913C>T (NM_001330368.2); c.*38+236C>T (NM_001351110.2); short protein forms E2676K.
Identifiers: ClinVar variation 186318 (VCV000186318.23), dbSNP rs786202859, ClinGen allele CA194459.
Genomic context (GRCh38, chr11:108,334,984, plus strand): 5'-ATAGTGTATCTGACCTATTATCAATCATGTTTATACTTTTATTAGGTGGACCACACAGGA[G>A]AATATGGAAATCTGGTGACTATACAGTCATTTAAAGCAGAATTTCGCTTAGCAGGAGGTG-3'
Protein context (NP_000042.3, residues 2666-2686): TMEIKVDHTG[Glu2676Lys]YGNLVTIQSF

ClinVar aggregate classification (germline): Uncertain significance. Review status: criteria provided, multiple submitters, no conflicts (2 of 4 stars). 7 submissions from 7 submitters: Uncertain significance (7). Last evaluated 2025-07-10.

Conditions:
Hereditary cancer-predisposing syndrome. Also called: Hereditary Cancer Syndrome; Tumor predisposition; Neoplastic Syndromes, Hereditary; Hereditary neoplastic syndrome. Identifiers: Orphanet 140162, MedGen C0027672, MeSH D009386, MONDO:0015356.
Familial cancer of breast. Also called: hereditary breast carcinoma; BREAST CANCER, FAMILIAL; Hereditary breast cancer. Identifiers: Orphanet 227535, MedGen C0346153, MONDO:0016419, OMIM 114480. Disease mechanism: loss of function.
Ataxia-telangiectasia syndrome (AT). Also called: ATAXIA-TELANGIECTASIA, COMPLEMENTATION GROUP A; ATAXIA-TELANGIECTASIA, FRESNO VARIANT; Ataxia-telangiectasia; Ataxia-telangiectasia, complementation group E; Cerebello-oculocutaneous telangiectasia; Immunodeficiency with ataxia telangiectasia. Identifiers: Orphanet 100, MedGen C0004135, MONDO:0008840, OMIM 208900.

Allele frequency attached by ClinVar (database versions not stated): gnomAD exomes below 0.00001; gnomAD 0.00001; TOPMed 0.00001.
gnomAD v4.1: 3 of 1,613,316 alleles (0.00019%); highest among the groups gnomAD compares: Non-Finnish European, 0.00025%; no homozygotes.

Submissions (7):

Labcorp Genetics (formerly Invitae), Labcorp
Classification: Uncertain significance for Ataxia-telangiectasia syndrome. Last evaluated: 2025-07-10. Review status: criteria provided, single submitter. Criteria: Invitae Variant Classification Sherloc (09022015). Collection method: clinical testing. Allele origin: germline.
Comment: This sequence change replaces glutamic acid, which is acidic and polar, with lysine, which is basic and polar, at codon 2676 of the ATM protein (p.Glu2676Lys). This variant is not present in population databases (gnomAD no frequency). This variant has not been reported in the literature in individuals affected with ATM-related conditions. ClinVar contains an entry for this variant (Variation ID: 186318). Invitae Evidence Modeling of protein sequence and biophysical properties (such as structural, functional, and spatial information, amino acid conservation, physicochemical variation, residue mobility, and thermodynamic stability) indicates that this missense variant is not expected to disrupt ATM protein function with a negative predictive value of 95%. In summary, the available evidence is currently insufficient to determine the role of this variant in disease. Therefore, it has been classified as a Variant of Uncertain Significance.

Women's Health and Genetics/Laboratory Corporation of America, LabCorp
Classification: Uncertain significance. Last evaluated: 2025-06-16. Review status: criteria provided, single submitter. Criteria: LabCorp Variant Classification Summary - May 2015. Collection method: clinical testing. Allele origin: germline.
Comment: Variant summary: ATM c.8026G>A (p.Glu2676Lys) results in a conservative amino acid change in the encoded protein sequence. Algorithms developed to predict the effect of missense changes on protein structure and function are either unavailable or do not agree on the potential impact of this missense change. The variant was absent in 251278 control chromosomes. The available data on variant occurrences in the general population are insufficient to allow any conclusion about variant significance. To our knowledge, no occurrence of c.8026G>A in individuals affected with ATM-related conditions and no experimental evidence demonstrating its impact on protein function have been reported. ClinVar contains an entry for this variant (Variation ID: 186318). Based on the evidence outlined above, the variant was classified as uncertain significance.

Blueprint Genetics
Classification: Uncertain significance. Last evaluated: 2024-10-29. Review status: criteria provided, single submitter. Criteria: ACMG Guidelines, 2015. Collection method: clinical testing. Allele origin: germline.

Ambry Genetics
Classification: Uncertain significance for Hereditary cancer-predisposing syndrome. Last evaluated: 2024-07-22. Review status: criteria provided, single submitter. Criteria: Ambry Variant Classification Scheme 2023. Collection method: clinical testing. Allele origin: germline.
Comment: The p.E2676K variant (also known as c.8026G>A), located in coding exon 54 of the ATM gene, results from a G to A substitution at nucleotide position 8026. The glutamic acid at codon 2676 is replaced by lysine, an amino acid with similar properties. This amino acid position is not well conserved in available vertebrate species. In addition, this alteration is predicted to be tolerated by in silico analysis. Based on the available evidence, the clinical significance of this variant remains unclear.

Baylor Genetics
Classification: Uncertain significance for Familial cancer of breast. Last evaluated: 2024-02-29. Review status: criteria provided, single submitter. Criteria: ACMG Guidelines, 2015. Collection method: clinical testing. Allele origin: unknown.

GeneDx
Classification: Uncertain significance. Last evaluated: 2023-12-27. Review status: criteria provided, single submitter. Criteria: GeneDx Variant Classification Process June 2021. Collection method: clinical testing. Allele origin: germline. Affected: yes.
Comment: Not observed at significant frequency in large population cohorts (gnomAD); In silico analysis supports that this missense variant does not alter protein structure/function; Has not been previously published as pathogenic or benign to our knowledge

Color Diagnostics, LLC DBA Color Health
Classification: Uncertain significance for Hereditary cancer-predisposing syndrome. Last evaluated: 2022-02-17. Review status: criteria provided, single submitter. Criteria: ACMG Guidelines, 2015. Collection method: clinical testing. Allele origin: germline.
Comment: This missense variant replaces glutamic acid with lysine at codon 2676 of the ATM protein. Computational prediction suggests that this variant may not impact protein structure and function (internally defined REVEL score threshold <= 0.5, PMID: 27666373). To our knowledge, functional studies have not been reported for this variant. In a large international case-control study, this variant was reported in 1/60465 breast cancer cases and 1/53460 controls (PMID: 33471991). This variant has not been identified in the general population by the Genome Aggregation Database (gnomAD). The available evidence is insufficient to determine the role of this variant in disease conclusively. Therefore, this variant is classified as a Variant of Uncertain Significance.

Literature cited by the submitters: PubMed 11826028 (cited by Ambry Genetics); PubMed 33471991 (cited by Color Diagnostics, LLC DBA Color Health).